The following is an entry in ClinVar:

ClinVar aggregate classification (germline): Uncertain significance (1 of 4 stars; one submission).

Conditions:
Combined immunodeficiency due to LRBA deficiency. Also called: Common variable immunodeficiency 8, with autoimmunity. Identifiers: Orphanet 445018, MedGen C3553512, MONDO:0013863, OMIM 614700.

Submission:

Labcorp Genetics (formerly Invitae), Labcorp
Classification: Uncertain significance for Combined immunodeficiency due to LRBA deficiency. Last evaluated: 2024-03-01. Review status: criteria provided, single submitter. Criteria: Invitae Variant Classification Sherloc (09022015). Collection method: clinical testing. Allele origin: germline.
Comment: This sequence change replaces alanine, which is neutral and non-polar, with glutamic acid, which is acidic and polar, at codon 543 of the LRBA protein (p.Ala543Glu). This variant is not present in population databases (gnomAD no frequency). This variant has not been reported in the literature in individuals affected with LRBA-related conditions. Advanced modeling of protein sequence and biophysical properties (such as structural, functional, and spatial information, amino acid conservation, physicochemical variation, residue mobility, and thermodynamic stability) performed at Invitae indicates that this missense variant is not expected to disrupt LRBA protein function with a negative predictive value of 80%. In summary, the available evidence is currently insufficient to determine the role of this variant in disease. Therefore, it has been classified as a Variant of Uncertain Significance.

NM_001364905.1(LRBA):c.1628C>A (p.Ala543Glu)

Gene: LRBA (LPS responsive beige-like anchor protein; minus strand). Cytogenetic location: 4q31.3.
Variant type: single nucleotide variant.
Coding change: c.1628C>A on transcript NM_001364905.1 (MANE Select); coding-DNA position 1628, C replaced by A.
Protein change: p.Ala543Glu; replaces alanine 543 with glutamic acid.
Molecular consequence: missense variant.
Genome position (GRCh38, 1-based): chr4:150,905,965, G>T on the plus strand (C>A on the coding strand, the complement: LRBA is on the minus strand). VCF-style: chr4-150905965-G-T. GRCh37 (hg19) VCF-style: chr4-151827117-G-T.
Other names: c.1628C>A, p.Ala543Glu (NM_001199282.3, NM_001367550.1, NM_006726.5); short protein forms A543E.
Identifiers: ClinVar variation 3628721 (VCV003628721.2).
Genomic context (GRCh38, chr4:150,905,965, plus strand): 5'-GGCATCCCATTCTGCAGATTACTCAGATATTTTGAAAATGCAAGGCAAAGTTCAAGTACT[G>T]CTCTGCTAACATGAGATTTGGAAGACTGCAAAAAAAGTAGTTCAAATGTTACCACAAATT-3'
Protein context (NP_001351834.1, residues 533-553): EKSSKSHVSR[Ala543Glu]VLELCLAFSK